The following is an entry in ClinVar:

ClinVar aggregate classification (germline): Likely benign. Review status: criteria provided, multiple submitters, no conflicts (2 of 4 stars). 6 submissions from 6 submitters: Likely benign (5). 1 of the submissions does not count toward it. Last evaluated 2026-06-01.

Conditions:
EP300-related disorder. Also called: EP300-related condition; EP300-related disorders.
Rubinstein-Taybi syndrome due to EP300 haploinsufficiency. Also called: RUBINSTEIN-TAYBI SYNDROME 2; EP300-Related Rubinstein-Taybi Syndrome. Identifiers: Orphanet 353284, Orphanet 783, MedGen C3150941, MONDO:0013364, OMIM 613684.

Allele frequency attached by ClinVar (database versions not stated): gnomAD exomes 0.00010 and 0.00011; ExAC 0.00012; TOPMed 0.00020; ESP Exome Variant Server 0.00023; gnomAD 0.00023 and 0.00024; 1000 Genomes Project 0.00040; 1000 Genomes Project 30x 0.00047.

Submissions (6):

CeGaT Center for Human Genetics Tuebingen
Classification: Likely benign. Last evaluated: 2026-06-01. Review status: criteria provided, single submitter. Criteria: CeGaT Center For Human Genetics Tuebingen Variant Classification Criteria Version 2. Collection method: clinical testing. Allele origin: germline. Affected: yes. Observed: 4 variant alleles.
Comment: EP300: BP4, BP7

Labcorp Genetics (formerly Invitae), Labcorp
Classification: Likely benign for Rubinstein-Taybi syndrome due to EP300 haploinsufficiency. Last evaluated: 2025-06-23. Review status: criteria provided, single submitter. Criteria: Invitae Variant Classification Sherloc (09022015). Collection method: clinical testing. Allele origin: germline.

Blueprint Genetics
Classification: Likely benign. Last evaluated: 2024-06-26. Review status: criteria provided, single submitter. Criteria: ACMG Guidelines, 2015. Collection method: clinical testing. Allele origin: germline.

GeneDx
Classification: Likely benign. Last evaluated: 2021-01-29. Review status: criteria provided, single submitter. Criteria: GeneDx Variant Classification Process June 2021. Collection method: clinical testing. Allele origin: germline. Affected: yes.

Breakthrough Genomics
Classification: Likely benign. Review status: criteria provided, single submitter. Criteria: ACMG Guidelines, 2015. Collection method: not provided. Allele origin: germline. Inheritance: Autosomal dominant inheritance. Affected: yes.

PreventionGenetics, part of Exact Sciences
Classification: Likely benign for EP300-related condition. Last evaluated: 2022-02-03. Review status: no assertion criteria provided. Collection method: clinical testing. Allele origin: germline. Not counted in ClinVar's aggregate classification.
Comment: This variant is classified as likely benign based on ACMG/AMP sequence variant interpretation guidelines (Richards et al. 2015 PMID: 25741868, with internal and published modifications).

NM_001429.4(EP300):c.5808G>A (p.Ala1936=)

Gene: EP300 (EP300 lysine acetyltransferase; plus strand). Cytogenetic location: 22q13.2.
Variant type: single nucleotide variant.
Coding change: c.5808G>A on transcript NM_001429.4 (MANE Select); coding-DNA position 5808, G replaced by A.
Protein change: p.Ala1936=; no amino-acid change (alanine 1936 retained).
Molecular consequence: synonymous variant.
Genome position (GRCh38, 1-based): chr22:41,177,519, G>A. VCF-style: chr22-41177519-G-A. GRCh37 (hg19) VCF-style: chr22-41573523-G-A.
Other names: c.5730G>A, p.Ala1910= (NM_001362843.2).
Identifiers: ClinVar variation 341818 (VCV000341818.47), dbSNP rs144798492, ClinGen allele CA10253711.